The following is an entry in ClinVar:

NM_001130438.3(SPTAN1):c.7173C>T (p.Val2391=)

Gene: SPTAN1 (spectrin alpha, non-erythrocytic 1; plus strand). Cytogenetic location: 9q34.11.
Variant type: single nucleotide variant.
Coding change: c.7173C>T on transcript NM_001130438.3 (MANE Select); coding-DNA position 7173, C replaced by T.
Protein change: p.Val2391=; no amino-acid change (valine 2391 retained).
Molecular consequence: synonymous variant.
Genome position (GRCh38, 1-based): chr9:128,632,820, C>T. VCF-style: chr9-128632820-C-T. GRCh37 (hg19) VCF-style: chr9-131395099-C-T.
Other names: c.7098C>T, p.Val2366= (NM_001195532.2); c.7236C>T, p.Val2412= (NM_001363759.2); c.7113C>T, p.Val2371= (NM_001363765.2, NM_001375314.2); c.7260C>T, p.Val2420= (NM_001375310.1); c.7173C>T, p.Val2391= (NM_001375311.2); c.7209C>T, p.Val2403= (NM_001375312.2); c.7155C>T, p.Val2385= (NM_001375313.1); c.7272C>T, p.Val2424= (NM_001375318.1); and 2 more.
Identifiers: ClinVar variation 3251221 (VCV003251221.19), dbSNP rs147223529.

ClinVar aggregate classification (germline): Uncertain significance. Review status: criteria provided, multiple submitters, no conflicts (2 of 4 stars). 2 submissions from 2 submitters: Uncertain significance (2). Last evaluated 2025-02-06.

Allele frequency attached by ClinVar (database versions not stated): gnomAD 0.00001; 1000 Genomes Project 30x 0.00016; 1000 Genomes Project 0.00020.
gnomAD v4.1: 4 of 1,614,128 alleles (0.00025%); highest among the groups gnomAD compares: East Asian, 0.0089%; no homozygotes.

Submissions (2):

GeneDx
Classification: Uncertain significance. Last evaluated: 2025-02-06. Review status: criteria provided, single submitter. Criteria: GeneDx Variant Classification Process June 2021. Collection method: clinical testing. Allele origin: germline. Affected: yes.
Comment: Has not been previously published as pathogenic or benign to our knowledge; In silico analysis suggests this variant may impact gene splicing. In the absence of RNA/functional studies, the actual effect of this sequence change is unknown.

CeGaT Center for Human Genetics Tuebingen
Classification: Uncertain significance. Last evaluated: 2024-06-01. Review status: criteria provided, single submitter. Criteria: CeGaT Center For Human Genetics Tuebingen Variant Classification Criteria Version 2. Collection method: clinical testing. Allele origin: germline. Affected: yes. Observed: 1 variant allele.